The following is an entry in ClinVar:

ClinVar aggregate classification (germline): Uncertain significance (1 of 4 stars; one submission).

Conditions:
Familial adenomatous polyposis 2. Also called: COLORECTAL ADENOMATOUS POLYPOSIS, AUTOSOMAL RECESSIVE; ADENOMAS, MULTIPLE COLORECTAL, AUTOSOMAL RECESSIVE; Adenomas, multiple colorectal; MYH-associated polyposis; MUTYH-associated polyposis; MUTYH-related attenuated familial adenomatous polyposis. Identifiers: Orphanet 220460, Orphanet 247798, MedGen C3272841, MONDO:0012041, OMIM 608456.

Submission:

Labcorp Genetics (formerly Invitae), Labcorp
Classification: Uncertain significance for Familial adenomatous polyposis 2. Last evaluated: 2022-06-23. Review status: criteria provided, single submitter. Criteria: Invitae Variant Classification Sherloc (09022015). Collection method: clinical testing. Allele origin: germline.
Comment: This sequence change replaces alanine, which is neutral and non-polar, with glycine, which is neutral and non-polar, at codon 53 of the MUTYH protein (p.Ala53Gly). This variant is not present in population databases (gnomAD no frequency). This variant has not been reported in the literature in individuals affected with MUTYH-related conditions. Algorithms developed to predict the effect of missense changes on protein structure and function output the following: SIFT: "Deleterious"; PolyPhen-2: "Benign"; Align-GVGD: "Class C0". The glycine amino acid residue is found in multiple mammalian species, which suggests that this missense change does not adversely affect protein function. In summary, the available evidence is currently insufficient to determine the role of this variant in disease. Therefore, it has been classified as a Variant of Uncertain Significance.

NM_001128425.2(MUTYH):c.158C>G (p.Ala53Gly)

Gene: MUTYH (mutY DNA glycosylase; minus strand). Cytogenetic location: 1p34.1.
Variant type: single nucleotide variant.
Coding change: c.158C>G on transcript NM_001128425.2 (MANE Plus Clinical); coding-DNA position 158, C replaced by G.
Protein change: p.Ala53Gly; replaces alanine 53 with glycine.
Molecular consequence: missense variant. On other transcripts: intron variant (12).
Genome position (GRCh38, 1-based): chr1:45,333,603, G>C on the plus strand (C>G on the coding strand, the complement: MUTYH is on the minus strand). VCF-style: chr1-45333603-G-C. GRCh37 (hg19) VCF-style: chr1-45799275-G-C.
Other names: c.-11C>G (NM_001407075.1); c.116C>G, p.Ala39Gly (NM_001407083.1, NM_001407085.1); c.-92-106C>G (NM_001350651.2); c.-97-106C>G (NM_001293192.2, NM_001293196.2); c.-156-42C>G (NM_001350650.2); c.116-42C>G (NM_001048171.2, NM_001048173.2, NM_001048174.2 and 1 more transcripts); c.158-39C>G (NM_001293190.2); c.158-9C>G (NM_012222.3); and 2 more; short protein forms A39G, A53G.
Identifiers: ClinVar variation 2009549 (VCV002009549.4), dbSNP rs2149177450, ClinGen allele CA340136865.
Genomic context (GRCh38, chr1:45,333,603, plus strand): 5'-TCCGGCTGCCTGGCCAGGCCTGCTGGGGCCCCAGGACACTCAGCAATCATCCCTGCACAG[G>C]CTGTGCATCAGGGTCTTGGGACACAGCAGCCTGTGGCAGTATGCTCCCACTTAGGGCTTC-3'
Protein context (NP_001121897.1, residues 43-63): NSQAKPSACD[Ala53Gly]CAGMIAECPG